The following is an entry in ClinVar:

NM_003900.5(SQSTM1):c.95_112dup (p.Ala37_Ala38insGluAlaGluAlaGluAla)

Gene: SQSTM1 (sequestosome 1; plus strand). Cytogenetic location: 5q35.3.
Variant type: Duplication.
Coding change: c.95_112dup on transcript NM_003900.5 (MANE Select); coding-DNA positions 95 to 112, 18 bases duplicated (AGGCGGAAGCCGAGGCTG).
Protein change: p.Ala37_Ala38insGluAlaGluAlaGluAla.
Molecular consequence: inframe insertion. On other transcripts: intron variant (2).
Genome position (GRCh38, 1-based): chr5:179,821,031-179,821,048, AGGCGGAAGCCGAGGCTG duplicated; duplicating any 18 consecutive bases within chr5:179,821,028-179,821,048 gives the same sequence; the c. name uses the placement nearest the transcript's 3' end. VCF-style (leftmost placement, unchanged base first): chr5-179821027-C-CCTGAGGCGGAAGCCGAGG. GRCh37 (hg19) VCF-style: chr5-179248027-C-CCTGAGGCGGAAGCCGAGG.
Other names: c.-47-1927_-47-1910dup (NM_001142298.2, NM_001142299.2).
Identifiers: ClinVar variation 3753346 (VCV003753346.2).
Genomic context (GRCh38, chr5:179,821,027, plus strand): 5'-CTGGGCAAGGAGGACGCGGCGCGCGAGATTCGCCGCTTCAGCTTCTGCTGCAGCCCCGAG[C>CCTGAGGCGGAAGCCGAGG]CTGAGGCGGAAGCCGAGGCTGCGGCGGGTCCGGGACCCTGCGAGCGGCTGCTGAGCCGGG-3'

ClinVar aggregate classification (germline): Uncertain significance (1 of 4 stars; one submission).

Conditions:
Frontotemporal dementia and/or amyotrophic lateral sclerosis 1 (FTDALS1). Also called: Frontotemporal dementia with motor neuron disease 1; C9orf72 Frontotemporal Dementia and/or Amyotrophic Lateral Sclerosis. Identifiers: Orphanet 275872, MedGen C5779877, MONDO:0007105, OMIM 105550.
Paget disease of bone 2, early-onset (PDB2). Also called: Paget disease of bone 2. Identifiers: MedGen C4085251, MONDO:0011183, OMIM 602080.

Submission:

Labcorp Genetics (formerly Invitae), Labcorp
Classification: Uncertain significance for Paget disease of bone 2, early-onset; Frontotemporal dementia and/or amyotrophic lateral sclerosis 1. Last evaluated: 2024-10-08. Review status: criteria provided, single submitter. Criteria: Invitae Variant Classification Sherloc (09022015). Collection method: clinical testing. Allele origin: germline.
Comment: This variant, c.95_112dup, results in the insertion of 6 amino acid(s) of the SQSTM1 protein (p.Glu32_Ala37dup), but otherwise preserves the integrity of the reading frame. This variant is not present in population databases (gnomAD no frequency). This variant has not been reported in the literature in individuals affected with SQSTM1-related conditions. In summary, the available evidence is currently insufficient to determine the role of this variant in disease. Therefore, it has been classified as a Variant of Uncertain Significance.